The following is an entry in ClinVar:

ClinVar aggregate classification (germline): Uncertain significance (1 of 4 stars; one submission).

gnomAD v4.1: 7 of 1,613,500 alleles (0.00043%); highest among the groups gnomAD compares: Non-Finnish European, 0.00051%; no homozygotes.

Submission:

Labcorp Genetics (formerly Invitae), Labcorp
Classification: Uncertain significance. Last evaluated: 2019-07-30. Review status: criteria provided, single submitter. Criteria: Invitae Variant Classification Sherloc (09022015). Collection method: clinical testing. Allele origin: germline.
Comment: In summary, the available evidence is currently insufficient to determine the role of this variant in disease. Therefore, it has been classified as a Variant of Uncertain Significance. Algorithms developed to predict the effect of missense changes on protein structure and function are either unavailable or do not agree on the potential impact of this missense change (SIFT: "Deleterious"; PolyPhen-2: "Benign"; Align-GVGD: "Class C0"). This variant has not been reported in the literature in individuals with LRIT3-related conditions. This variant is present in population databases (rs764460867, ExAC 0.003%). This sequence change replaces proline with histidine at codon 615 of the LRIT3 protein (p.Pro615His). The proline residue is weakly conserved and there is a moderate physicochemical difference between proline and histidine.

NM_198506.5(LRIT3):c.1844C>A (p.Pro615His)

Gene: LRIT3 (leucine rich repeat, Ig-like and transmembrane domains 3; plus strand). Cytogenetic location: 4q25.
Variant type: single nucleotide variant.
Coding change: c.1844C>A on transcript NM_198506.5 (MANE Select); coding-DNA position 1844, C replaced by A.
Protein change: p.Pro615His; replaces proline 615 with histidine.
Molecular consequence: missense variant.
Genome position (GRCh38, 1-based): chr4:109,870,593, C>A. VCF-style: chr4-109870593-C-A. GRCh37 (hg19) VCF-style: chr4-110791749-C-A.
Other names: short protein forms P615H.
Identifiers: ClinVar variation 950180 (VCV000950180.6), dbSNP rs764460867, ClinGen allele CA3043269.